The following is an entry in ClinVar:

ClinVar aggregate classification (germline): not provided (0 of 4 stars; one submission).

Conditions:
Gestational diabetes mellitus uncontrolled. Identifiers: MedGen C3532257.

Submission:

Institute of Molecular and Cell Biology, University of Tartu
No classification provided. Condition: Gestational diabetes mellitus uncontrolled. Review status: no classification provided. Collection method: case-control. Allele origin: unknown. Affected: yes. Study: Kasak2014.
Comment: The study aimed to determine the contribution of copy number variants in the genetic etiology of normal and complicated pregnancies. The samples represented (i) maternal blood DNA drawn from healthy pregnant women during 1st or 2nd trimester and (ii) maternal and paternal blood DNA drawn at term pregnancy cases representing normal and complicated gestations (severe preeclampsia, PE; gestational diabetes, GD; small-for-gestational age newborn, SGA; large-for-gestational age newborn, LGA). We performed CNV calling based on genome-wide genotyping dataset (Illumina HumanOmniExpress-24-v1 BeadChip) by applying three algorithms, QuantiSNP, GADA (Genome Alteration Detection Algorithm) and CNstream in parallel. The acquired CNV calls were merged with HD-CNV (Hotspot Detector for Copy Number Variants) program and only the CNVs predicted by at least two programs, were considered in subsequent analysis.

Literature cited by the submitters: PubMed 25666259.

NM_001145279.3(OPRM1):c.-8245_-1+9405del

Gene: OPRM1 (opioid receptor mu 1; plus strand). Cytogenetic location: 6q25.2.
Variant type: Deletion.
Coding change: c.-8245_-1+9405del on transcript NM_001145279.3; 8245 bases upstream of the start codon through 9405 bases into the intron after 1 bases upstream of the start codon, this stretch deleted.
Identifiers: ClinVar variation 157032 (VCV000157032.2).